The following is an entry in ClinVar:

ClinVar aggregate classification (germline): Uncertain significance (1 of 4 stars; one submission).

Submission:

GeneDx
Classification: Uncertain significance. Last evaluated: 2022-01-07. Review status: criteria provided, single submitter. Criteria: GeneDx Variant Classification Process June 2021. Collection method: clinical testing. Allele origin: germline. Affected: yes.
Comment: Not observed at significant frequency in large population cohorts (gnomAD); In silico analysis supports that this variant does not alter protein structure/function; Has not been previously published as pathogenic or benign to our knowledge; In silico analysis, which includes splice predictors and evolutionary conservation, suggests this variant may impact gene splicing. In the absence of RNA/functional studies, the actual effect of this sequence change is unknown.

NM_207346.3(TSEN54):c.1309_1310delinsAT (p.Ala437Ile)

Gene: TSEN54 (tRNA splicing endonuclease subunit 54; plus strand). Cytogenetic location: 17q25.1.
Variant type: Indel.
Coding change: c.1309_1310delinsAT on transcript NM_207346.3 (MANE Select); coding-DNA positions 1309 to 1310, GC replaced by AT.
Protein change: p.Ala437Ile; replaces alanine 437 with isoleucine.
Molecular consequence: missense variant.
Genome position (GRCh38, 1-based): chr17:75,523,331-75,523,332, GC replaced by AT. VCF-style: chr17-75523331-GC-AT. GRCh37 (hg19) VCF-style: chr17-73519412-GC-AT.
Other names: short protein forms A437I.
Identifiers: ClinVar variation 1695765 (VCV001695765.2), dbSNP rs2147015701, ClinGen allele CA2580095219.